The following is an entry in ClinVar:

NM_000138.5(FBN1):c.2114-13T>G

Gene: FBN1 (fibrillin 1; minus strand). Cytogenetic location: 15q21.1.
Variant type: single nucleotide variant.
Coding change: c.2114-13T>G on transcript NM_000138.5 (MANE Select); 13 bases into the intron before coding-DNA position 2114, T replaced by G.
Molecular consequence: intron variant.
Genome position (GRCh38, 1-based): chr15:48,499,051, A>C on the plus strand (T>G on the coding strand, the complement: FBN1 is on the minus strand). VCF-style: chr15-48499051-A-C. GRCh37 (hg19) VCF-style: chr15-48791248-A-C.
Other names: c.2114-13T>G (NM_001406716.1).
Identifiers: ClinVar variation 4787029 (VCV004787029.1).

ClinVar aggregate classification (germline): Uncertain significance (1 of 4 stars; one submission).

Conditions:
Marfan syndrome (MFS). Also called: FBN1-Related Marfan Syndrome; MARFAN SYNDROME, TYPE I; Marfan syndrome type 1; Marfan's syndrome; Marfan syndrome, classic. Identifiers: Orphanet 284963, Orphanet 558, MedGen C0024796, MONDO:0007947, OMIM 154700.
Familial thoracic aortic aneurysm and aortic dissection (TAAD). Also called: Thoracic aortic aneurysms and dissections. Identifiers: Orphanet 91387, MedGen C4707243, MONDO:0019625.

Submission:

Labcorp Genetics (formerly Invitae), Labcorp
Classification: Uncertain significance for Marfan syndrome; Familial thoracic aortic aneurysm and aortic dissection. Last evaluated: 2025-12-15. Review status: criteria provided, single submitter. Criteria: Invitae Variant Classification Sherloc (09022015). Collection method: clinical testing. Allele origin: germline.
Comment: This sequence change falls in intron 17 of the FBN1 gene. It does not directly change the encoded amino acid sequence of the FBN1 protein. This variant is not present in population databases (gnomAD no frequency). This variant has not been reported in the literature in individuals affected with FBN1-related conditions. Algorithms developed to predict the effect of sequence changes on RNA splicing suggest that this variant may disrupt the consensus splice site. In summary, the available evidence is currently insufficient to determine the role of this variant in disease. Therefore, it has been classified as a Variant of Uncertain Significance.